The following is an entry in ClinVar:

ClinVar aggregate classification (germline): Benign (1 of 4 stars; one submission).

Allele frequency attached by ClinVar (database versions not stated): TOPMed 0.00049; gnomAD 0.00050; ESP Exome Variant Server 0.00054; 1000 Genomes Project 0.00060; 1000 Genomes Project 30x 0.00062; gnomAD exomes 0.00062; ExAC 0.00077.
gnomAD v4.1: 979 of 1,614,126 alleles (0.061%); highest among the groups gnomAD compares: Non-Finnish European, 0.072%; 2 homozygotes.

Submission:

CeGaT Center for Human Genetics Tuebingen
Classification: Benign. Last evaluated: 2023-10-01. Review status: criteria provided, single submitter. Criteria: CeGaT Center For Human Genetics Tuebingen Variant Classification Criteria Version 2. Collection method: clinical testing. Allele origin: germline. Affected: yes. Observed: 1 variant allele.
Comment: ASH1L: PP2, BS1, BS2

NM_018489.3(ASH1L):c.1279G>A (p.Glu427Lys)

Gene: ASH1L (ASH1 like histone lysine methyltransferase; minus strand). Cytogenetic location: 1q22.
Variant type: single nucleotide variant.
Coding change: c.1279G>A on transcript NM_018489.3 (MANE Select); coding-DNA position 1279, G replaced by A.
Protein change: p.Glu427Lys; replaces glutamic acid 427 with lysine.
Molecular consequence: missense variant.
Genome position (GRCh38, 1-based): chr1:155,481,591, C>T on the plus strand (G>A on the coding strand, the complement: ASH1L is on the minus strand). VCF-style: chr1-155481591-C-T. GRCh37 (hg19) VCF-style: chr1-155451382-C-T.
Other names: c.1279G>A, p.Glu427Lys (NM_001366177.2); short protein forms E427K.
Identifiers: ClinVar variation 2639425 (VCV002639425.24), dbSNP rs146518998, ClinGen allele CA1147379.